The following is an entry in ClinVar:

ClinVar aggregate classification (germline): Uncertain significance (1 of 4 stars; one submission).

Conditions:
Inborn genetic diseases. Identifiers: MedGen C0950123, MeSH D030342.

Submission:

Ambry Genetics
Classification: Uncertain significance for Inborn genetic diseases. Last evaluated: 2024-06-05. Review status: criteria provided, single submitter. Criteria: Ambry Variant Classification Scheme 2023. Collection method: clinical testing. Allele origin: germline.
Comment: The p.H729P variant (also known as c.2186A>C), located in coding exon 22 of the ERCC2 gene, results from an A to C substitution at nucleotide position 2186. The histidine at codon 729 is replaced by proline, an amino acid with similar properties. This amino acid position is conserved. In addition, the in silico prediction for this alteration is inconclusive. Based on the available evidence, the clinical significance of this variant remains unclear.

NM_000400.4(ERCC2):c.2186A>C (p.His729Pro)

Gene: ERCC2 (ERCC excision repair 2, TFIIH core complex helicase subunit; minus strand). Cytogenetic location: 19q13.32.
Variant type: single nucleotide variant.
Coding change: c.2186A>C on transcript NM_000400.4 (MANE Select); coding-DNA position 2186, A replaced by C.
Protein change: p.His729Pro; replaces histidine 729 with proline.
Molecular consequence: missense variant.
Genome position (GRCh38, 1-based): chr19:45,352,213, T>G on the plus strand (A>C on the coding strand, the complement: ERCC2 is on the minus strand). VCF-style: chr19-45352213-T-G. GRCh37 (hg19) VCF-style: chr19-45855471-T-G.
Other names: short protein forms H729P.
Identifiers: ClinVar variation 3276284 (VCV003276284.1).
Genomic context (GRCh38, chr19:45,352,213, plus strand): 5'-TTTCTGGAGGAGAAGCTCAGCCTGGGAGGGTGCCGGGAGGGGGACGCAGGCCTCACCCGG[T>G]GGAAGGGCTGTGCCATCTGCCGCAGGAAGTACTTGGCCACCTGGACACCCTCGTCCACGG-3'
Protein context (NP_000391.1, residues 719-739): YFLRQMAQPF[His729Pro]REDQLGLSLL